The following is an entry in ClinVar:

NM_001278116.2(L1CAM):c.1939+5G>C

Gene: L1CAM (L1 cell adhesion molecule; minus strand). Cytogenetic location: Xq28.
Variant type: single nucleotide variant.
Coding change: c.1939+5G>C on transcript NM_001278116.2 (MANE Select); 5 bases into the intron after coding-DNA position 1939, G replaced by C.
Molecular consequence: intron variant.
Genome position (GRCh38, 1-based): chrX:153,867,795, C>G on the plus strand (G>C on the coding strand, the complement: L1CAM is on the minus strand). VCF-style: chrX-153867795-C-G. GRCh37 (hg19) VCF-style: chrX-153133250-C-G.
Other names: c.1924+5G>C (NM_001143963.2); c.1939+5G>C (NM_024003.3, NM_000425.5).
Identifiers: ClinVar variation 372593 (VCV000372593.1), dbSNP rs879253716, ClinGen allele CA16043232.

ClinVar aggregate classification (germline): Likely pathogenic (1 of 4 stars; one submission).

Submission:

GeneDx
Classification: Likely pathogenic. Last evaluated: 2016-01-06. Review status: criteria provided, single submitter. Criteria: GeneDx Variant Classification (06012015). Collection method: clinical testing. Allele origin: germline. Affected: yes.
Comment: The c.1939+5 G>C variant has not been published as a pathogenic variant, nor has it been reported as a benign variant to our knowledge. The variant was not observed in approximately 6,300 individuals of European and African American ancestry in the NHLBI Exome Sequencing Project, indicating it is not a common benign variant in these populations. It is predicted to destroy the natural splice donor site and cause abnormal gene splicing, either leading to an abnormal message that is subject to nonsense-mediated mRNA decay, or to an abnormal protein product if the message is used for protein translation. Therefore, based on the available evidence, this variant is likely pathogenic.